The following is an entry in ClinVar:

NM_004385.5(VCAN):c.2876G>A (p.Ser959Asn)

Gene: VCAN (versican; plus strand). Cytogenetic location: 5q14.3.
Variant type: single nucleotide variant.
Coding change: c.2876G>A on transcript NM_004385.5 (MANE Select); coding-DNA position 2876, G replaced by A.
Protein change: p.Ser959Asn; replaces serine 959 with asparagine.
Molecular consequence: missense variant. On other transcripts: intron variant (2).
Genome position (GRCh38, 1-based): chr5:83,521,182, G>A. VCF-style: chr5-83521182-G-A. GRCh37 (hg19) VCF-style: chr5-82817001-G-A.
Other names: c.2876G>A (NM_004385.4); c.2876G>A, p.Ser959Asn (NM_001164098.2); c.1042+8786G>A (NM_001164097.2, NM_001126336.3); short protein forms S959N.
Identifiers: ClinVar variation 1518384 (VCV001518384.8), dbSNP rs369644658, ClinGen allele CA3332909.

ClinVar aggregate classification (germline): Conflicting classifications of pathogenicity. Review status: criteria provided, conflicting classifications (1 of 4 stars). 3 submissions from 3 submitters: Uncertain significance (2); Likely benign (1). Last evaluated 2025-12-23.

Conditions:
Inborn genetic diseases. Identifiers: MedGen C0950123, MeSH D030342.

Allele frequency attached by ClinVar (database versions not stated): gnomAD 0.00001 and 0.00003; TOPMed 0.00003; gnomAD exomes 0.00005 and 0.00009; ExAC 0.00012; 1000 Genomes Project 30x 0.00016; 1000 Genomes Project 0.00020.
gnomAD v4.1: 82 of 1,613,328 alleles (0.0051%); highest among the groups gnomAD compares: Middle Eastern, 0.15%; no homozygotes.

Submissions (3):

Labcorp Genetics (formerly Invitae), Labcorp
Classification: Uncertain significance. Last evaluated: 2025-12-23. Review status: criteria provided, single submitter. Criteria: Invitae Variant Classification Sherloc (09022015). Collection method: clinical testing. Allele origin: germline.
Comment: This sequence change replaces serine, which is neutral and polar, with asparagine, which is neutral and polar, at codon 959 of the VCAN protein (p.Ser959Asn). This variant is present in population databases (rs369644658, gnomAD 0.04%), and has an allele count higher than expected for a pathogenic variant. This variant has not been reported in the literature in individuals affected with VCAN-related conditions. ClinVar contains an entry for this variant (Variation ID: 1518384). An algorithm developed to predict the effect of missense changes on protein structure and function (PolyPhen-2) suggests that this variant is likely to be disruptive. In summary, the available evidence is currently insufficient to determine the role of this variant in disease. Therefore, it has been classified as a Variant of Uncertain Significance.

Blueprint Genetics
Classification: Likely benign. Last evaluated: 2024-09-09. Review status: criteria provided, single submitter. Criteria: ACMG Guidelines, 2015. Collection method: clinical testing. Allele origin: germline.

Ambry Genetics
Classification: Uncertain significance for Inborn genetic diseases. Last evaluated: 2021-06-23. Review status: criteria provided, single submitter. Criteria: Ambry Variant Classification Scheme 2023. Collection method: clinical testing. Allele origin: germline.